The following is an entry in ClinVar:

NM_005862.3(STAG1):c.3503A>G (p.Lys1168Arg)

Gene: STAG1 (STAG1 cohesin complex component; minus strand). Cytogenetic location: 3q22.3.
Variant type: single nucleotide variant.
Coding change: c.3503A>G on transcript NM_005862.3 (MANE Select); coding-DNA position 3503, A replaced by G.
Protein change: p.Lys1168Arg; replaces lysine 1168 with arginine.
Molecular consequence: missense variant.
Genome position (GRCh38, 1-based): chr3:136,341,495, T>C on the plus strand (A>G on the coding strand, the complement: STAG1 is on the minus strand). VCF-style: chr3-136341495-T-C. GRCh37 (hg19) VCF-style: chr3-136060337-T-C.
Other names: short protein forms K1168R.
Identifiers: ClinVar variation 4882221 (VCV004882221.2).

ClinVar aggregate classification (germline): Uncertain significance (1 of 4 stars; one submission).

Conditions:
Intellectual developmental disorder, autosomal dominant 47. Also called: MENTAL RETARDATION, AUTOSOMAL DOMINANT 47; Intellectual disability, autosomal dominant 47. Identifiers: Orphanet 502434, MedGen C4539951, MONDO:0030912, OMIM 617635.

Submission:

Dasa
Classification: Uncertain significance for Intellectual developmental disorder, autosomal dominant 47. Last evaluated: 2025-02-28. Review status: criteria provided, single submitter. Criteria: DASA Assertion Criteria. Collection method: clinical testing. Allele origin: germline.
Comment: NM_005862.3(STAG1):c.3503A>G (p.Lys1168Arg) is a missense variant that results in the substitution of lysine with arginine. This variant is absent from population databases. Computational prediction algorithms are consistent with a benign effect. The currently available literature and clinical evidence are not sufficient to establish a definitive association between this variant and the reported condition. Therefore, this variant is classified as a variant of uncertain significance.